The following is an entry in ClinVar:

ClinVar aggregate classification (germline): Pathogenic/Likely pathogenic. Review status: criteria provided, multiple submitters, no conflicts (2 of 4 stars). 5 submissions from 5 submitters: Pathogenic (2); Likely pathogenic (2). 1 of the submissions does not count toward it. Last evaluated 2024-07-31.

Conditions:
Marfan syndrome (MFS). Also called: MARFAN SYNDROME, TYPE I; FBN1-Related Marfan Syndrome; Marfan syndrome type 1; Marfan's syndrome; Marfan syndrome, classic. Identifiers: Orphanet 284963, Orphanet 558, MedGen C0024796, MONDO:0007947, OMIM 154700.
Familial thoracic aortic aneurysm and aortic dissection (TAAD). Also called: Thoracic aortic aneurysms and dissections. Identifiers: Orphanet 91387, MedGen C4707243, MONDO:0019625.
FBN1-related disorder. Also called: FBN1-related disorders.

Submissions (5):

GeneDx
Classification: Pathogenic. Last evaluated: 2024-07-31. Review status: criteria provided, single submitter. Criteria: GeneDx Variant Classification Process June 2021. Collection method: clinical testing. Allele origin: germline. Affected: yes.
Comment: Not observed at significant frequency in large population cohorts (gnomAD); In silico analysis supports that this missense variant has a deleterious effect on protein structure/function; Affects a cysteine residue within an EGF-like domain of the FBN1 gene, which may affect disulfide bonding and is predicted to alter the structure and function of the protein; cysteine substitutions in the EGF-like domains represent the majority of pathogenic missense changes associated with FBN1-related disorders (PMID: 12938084); This variant is associated with the following publications: (PMID: 12938084, 11875032, 8863159, 14695540, 24928929)

Ambry Genetics
Classification: Likely pathogenic for Familial thoracic aortic aneurysm and aortic dissection. Last evaluated: 2023-11-03. Review status: criteria provided, single submitter. Criteria: Ambry Variant Classification Scheme 2023. Collection method: clinical testing. Allele origin: germline.
Comment: The p.C1153Y variant (also known as c.3458G>A), located in coding exon 27 of the FBN1 gene, results from a G to A substitution at nucleotide position 3458. The cysteine at codon 1153 is replaced by tyrosine, an amino acid with highly dissimilar properties. The majority of FBN1 mutations identified to date have involved the substitution or generation of cysteine residues within cbEGF domains (Vollbrandt T et al. J Biol Chem. 2004;279(31):32924-32931). Internal structural analysis indicates this alteration eliminates a disulfide bond critical for the structural integrity of the cbEGF #13 domain (Ambry internal data). Additionally, this variant has been reported in individuals with Marfan syndrome, including being identified as de novo in one individual (Ad&egrave;s LC et al. J. Med. Genet., 1996 Aug;33:665-71; Amado M et al. BMJ Case Rep, 2014 Jun;2014:[ePub ahead of print]; Ambry internal data). This variant is considered to be rare based on population cohorts in the Genome Aggregation Database (gnomAD). This amino acid position is highly conserved in available vertebrate species. In addition, this alteration is predicted to be deleterious by in silico analysis. Based on the majority of available evidence to date, this variant is likely to be pathogenic.

Blueprint Genetics
Classification: Likely pathogenic for FBN1-related disorders. Last evaluated: 2017-08-09. Review status: criteria provided, single submitter. Criteria: ACMG Guidelines, 2015. Collection method: clinical testing. Allele origin: germline. Affected: yes. Observed: 1 variant allele.

Labcorp Genetics (formerly Invitae), Labcorp
Classification: Pathogenic for Marfan syndrome; Familial thoracic aortic aneurysm and aortic dissection. Last evaluated: 2017-01-15. Review status: criteria provided, single submitter. Criteria: Invitae Variant Classification Sherloc (09022015). Collection method: clinical testing. Allele origin: germline.
Comment: This variant has been reported in several individuals affected with Marfan syndrome, including several instances where it has been shown to arise de novo (PMID: 14695540, 16222657, 24928929). For these reasons, this variant has been classified as Pathogenic. This variant affects a cysteine residue located within an epidermal-growth-factor (EGF)–like domain of the FBN1 protein. Cysteine residues in these domains have been shown to be involved in the formation of disulfide bridges, which are critical for FBN1 protein structure and stability (PMID: 10486319, 3495735, 4750422, 16677079). In addition, missense substitutions within the FBN1 EGF-like domains affecting cysteine residues are significantly overrepresented among patients with Marfan syndrome (PMID: 16571647, 17701892). This variant is not present in population databases (rs140599, ExAC no frequency). This sequence change replaces cysteine with tyrosine at codon 1153 of the FBN1 protein (p.Cys1153Tyr). The cysteine residue is highly conserved and there is a large physicochemical difference between cysteine and tyrosine.

Center for Medical Genetics Ghent, University of Ghent
Classification: Pathogenic for Marfan syndrome. Last evaluated: 2017-11-07. Review status: no assertion criteria provided. Collection method: clinical testing. Allele origin: germline. Affected: yes. Not counted in ClinVar's aggregate classification.

Literature cited by the submitters: PubMed 24928929 (cited by Ambry Genetics and Labcorp Genetics (formerly Invitae), Labcorp); PubMed 8863159 (cited by Ambry Genetics); PubMed 14695540 (cited by Labcorp Genetics (formerly Invitae), Labcorp); PubMed 16222657 (cited by Labcorp Genetics (formerly Invitae), Labcorp); PubMed 10486319 (cited by Labcorp Genetics (formerly Invitae), Labcorp); PubMed 3495735 (cited by Labcorp Genetics (formerly Invitae), Labcorp); PubMed 4750422 (cited by Labcorp Genetics (formerly Invitae), Labcorp); PubMed 16677079 (cited by Labcorp Genetics (formerly Invitae), Labcorp); PubMed 16571647 (cited by Labcorp Genetics (formerly Invitae), Labcorp); PubMed 17701892 (cited by Labcorp Genetics (formerly Invitae), Labcorp).

NM_000138.5(FBN1):c.3458G>A (p.Cys1153Tyr)

Gene: FBN1 (fibrillin 1; minus strand). Cytogenetic location: 15q21.1.
Variant type: single nucleotide variant.
Coding change: c.3458G>A on transcript NM_000138.5 (MANE Select); coding-DNA position 3458, G replaced by A.
Protein change: p.Cys1153Tyr; replaces cysteine 1153 with tyrosine.
Molecular consequence: missense variant.
Genome position (GRCh38, 1-based): chr15:48,487,317, C>T on the plus strand (G>A on the coding strand, the complement: FBN1 is on the minus strand). VCF-style: chr15-48487317-C-T. GRCh37 (hg19) VCF-style: chr15-48779514-C-T.
Other names: short protein forms C1153Y.
Identifiers: ClinVar variation 457194 (VCV000457194.11), dbSNP rs140599, ClinGen allele CA269531142.